The following is an entry in ClinVar:

ClinVar aggregate classification (germline): Conflicting classifications of pathogenicity. Review status: criteria provided, conflicting classifications (1 of 4 stars). 4 submissions from 4 submitters: Uncertain significance (1); Likely benign (3). Last evaluated 2026-01-21.

Conditions:
CERKL-related disorder. Also called: CERKL-related condition.
Inborn genetic diseases. Identifiers: MedGen C0950123, MeSH D030342.

Allele frequency attached by ClinVar (database versions not stated): gnomAD exomes 0.00006 and 0.00014; ExAC 0.00016; 1000 Genomes Project 30x 0.00031; 1000 Genomes Project 0.00040; gnomAD 0.00064 and 0.00072; TOPMed 0.00074; ESP Exome Variant Server 0.00108.
gnomAD v4.1: 189 of 1,607,860 alleles (0.012%); highest among the groups gnomAD compares: African/African-American, 0.21%; no homozygotes.

Submissions (4):

Labcorp Genetics (formerly Invitae), Labcorp
Classification: Likely benign. Last evaluated: 2026-01-21. Review status: criteria provided, single submitter. Criteria: Invitae Variant Classification Sherloc (09022015). Collection method: clinical testing. Allele origin: germline.

PreventionGenetics, part of Exact Sciences
Classification: Likely benign for CERKL-related condition. Last evaluated: 2025-12-09. Review status: criteria provided, single submitter. Criteria: ACMG Guidelines, 2015. Collection method: clinical testing. Allele origin: germline.
Comment: This variant is classified as likely benign based on ACMG/AMP sequence variant interpretation guidelines (Richards et al. 2015 PMID: 25741868, with internal and published modifications).

Blueprint Genetics
Classification: Likely benign. Last evaluated: 2024-06-05. Review status: criteria provided, single submitter. Criteria: ACMG Guidelines, 2015. Collection method: clinical testing. Allele origin: germline.

Ambry Genetics
Classification: Uncertain significance for Inborn genetic diseases. Last evaluated: 2022-07-22. Review status: criteria provided, single submitter. Criteria: Ambry Variant Classification Scheme 2023. Collection method: clinical testing. Allele origin: germline.

NM_201548.5(CERKL):c.1304G>A (p.Arg435Gln)

Gene: CERKL (CERK like autophagy regulator; minus strand). Cytogenetic location: 2q31.3.
Variant type: single nucleotide variant.
Coding change: c.1304G>A on transcript NM_201548.5 (MANE Select); coding-DNA position 1304, G replaced by A.
Protein change: p.Arg435Gln; replaces arginine 435 with glutamine.
Molecular consequence: missense variant. On other transcripts: non-coding transcript variant (2).
Genome position (GRCh38, 1-based): chr2:181,544,761, C>T on the plus strand (G>A on the coding strand, the complement: CERKL is on the minus strand). VCF-style: chr2-181544761-C-T. GRCh37 (hg19) VCF-style: chr2-182409488-C-T.
Other names: c.1382G>A, p.Arg461Gln (NM_001030311.3); c.965G>A, p.Arg322Gln (NM_001030312.3); c.1097G>A, p.Arg366Gln (NM_001030313.3); c.1250G>A, p.Arg417Gln (NM_001160277.2); short protein forms R322Q, R461Q, R366Q, R417Q, R435Q.
Identifiers: ClinVar variation 760536 (VCV000760536.14), dbSNP rs148507801, ClinGen allele CA2010466.